The following is an entry in ClinVar:

ClinVar aggregate classification (germline): Uncertain significance (1 of 4 stars; one submission).

Submission:

Labcorp Genetics (formerly Invitae), Labcorp
Classification: Uncertain significance. Last evaluated: 2025-12-27. Review status: criteria provided, single submitter. Criteria: Invitae Variant Classification Sherloc (09022015). Collection method: clinical testing. Allele origin: germline.
Comment: This sequence change affects codon 480 of the PRKCSH mRNA. It is a 'silent' change, meaning that it does not change the encoded amino acid sequence of the PRKCSH protein. It affects a nucleotide within the consensus splice site. This variant is present in population databases (rs371330547, gnomAD 0.003%). This variant has not been reported in the literature in individuals affected with PRKCSH-related conditions. Algorithms developed to predict the effect of sequence changes on RNA splicing suggest that this variant is not likely to affect RNA splicing. In summary, the available evidence is currently insufficient to determine the role of this variant in disease. Therefore, it has been classified as a Variant of Uncertain Significance.

NM_001289104.2(PRKCSH):c.1461C>T (p.Thr487=)

Gene: PRKCSH (PRKCSH beta subunit of glucosidase II; plus strand). Cytogenetic location: 19p13.2.
Variant type: single nucleotide variant.
Coding change: c.1461C>T on transcript NM_001289104.2 (MANE Select); coding-DNA position 1461, C replaced by T.
Protein change: p.Thr487=; no amino-acid change (threonine 487 retained).
Molecular consequence: synonymous variant.
Genome position (GRCh38, 1-based): chr19:11,449,175, C>T. VCF-style: chr19-11449175-C-T. GRCh37 (hg19) VCF-style: chr19-11559990-C-T.
Other names: c.1431C>T, p.Thr477= (NM_001001329.3, NM_001289102.2, NM_001379609.1); c.1461C>T, p.Thr487= (NM_001289103.2); c.1440C>T, p.Thr480= (NM_001379608.1, NM_002743.3).
Identifiers: ClinVar variation 4775823 (VCV004775823.1).